The following is an entry in ClinVar:

NM_018699.4(PRDM5):c.124A>G (p.Lys42Glu)

Gene: PRDM5 (PR/SET domain 5; minus strand). Cytogenetic location: 4q27.
Variant type: single nucleotide variant.
Coding change: c.124A>G on transcript NM_018699.4 (MANE Select); coding-DNA position 124, A replaced by G.
Protein change: p.Lys42Glu; replaces lysine 42 with glutamic acid.
Molecular consequence: missense variant.
Genome position (GRCh38, 1-based): chr4:120,907,527, T>C on the plus strand (A>G on the coding strand, the complement: PRDM5 is on the minus strand). VCF-style: chr4-120907527-T-C. GRCh37 (hg19) VCF-style: chr4-121828682-T-C.
Other names: c.124A>G, p.Lys42Glu (NM_001300823.2, NM_001300824.2, NM_001379104.1 and 1 more transcripts); short protein forms K42E.
Identifiers: ClinVar variation 4862489 (VCV004862489.1).

ClinVar aggregate classification (germline): Uncertain significance (1 of 4 stars; one submission).

Conditions:
Cardiovascular phenotype. Identifiers: MedGen CN230736.

gnomAD v4.1: 1 of 1,612,878 alleles (0.000062%); highest among the groups gnomAD compares: African/African-American, 0.0013%; no homozygotes.

Submission:

Ambry Genetics
Classification: Uncertain significance for Cardiovascular phenotype. Last evaluated: 2026-05-23. Review status: criteria provided, single submitter. Criteria: Ambry Variant Classification Scheme 2023. Collection method: clinical testing. Allele origin: germline.
Comment: The p.K42E variant (also known as c.124A>G), located in coding exon 2 of the PRDM5 gene, results from an A to G substitution at nucleotide position 124. The lysine at codon 42 is replaced by glutamic acid, an amino acid with similar properties. This amino acid position is conserved. In addition, the in silico prediction for this alteration is inconclusive. Based on the available evidence, the clinical significance of this variant remains unclear.